The following is an entry in ClinVar:

NM_000458.4(HNF1B):c.*274=

Gene: HNF1B (HNF1 homeobox B; minus strand). Cytogenetic location: 17q12.
Variant type: single nucleotide variant.
Coding change: c.*274= on transcript NM_000458.4 (MANE Select); 274 bases downstream of the stop codon, no change from the reference sequence.
Molecular consequence: no sequence alteration.
Genome position: GRCh38 VCF-style: chr17-37687098-A-A. GRCh37 (hg19) VCF-style: chr17-36047101-T-A.
Other names: c.*274= (NM_001165923.4); c.*182= (NM_001304286.2).
Identifiers: ClinVar variation 322939 (VCV000322939.7), dbSNP rs2689.
Genomic context (GRCh38, chr17:37,687,098, plus strand): 5'-TCAGTTTGTTCGATGAAGGATCACAACATAGACAGTACGGCTTTCTTGCTTCCTCTTCGG[A=]GGTTCCTTGTCTCCCACCTCCAGGACAGACAGGAGTCCTTGACATCGTGGGAGAGGCATT-3'

ClinVar aggregate classification (germline): Benign. Review status: criteria provided, multiple submitters, no conflicts (2 of 4 stars). 3 submissions from 3 submitters: Benign (3). Last evaluated 2018-06-14.

Conditions:
Renal cysts and diabetes syndrome (RCAD). Also called: MATURITY-ONSET DIABETES OF THE YOUNG, TYPE 5; Familial hypoplastic, glomerulocystic kidney. Identifiers: Orphanet 93111, MedGen C0431693, MONDO:0007669, OMIM 137920.

Allele frequency attached by ClinVar (database versions not stated): 1000 Genomes Project 30x 0.35431; TOPMed 0.37063; gnomAD 0.38166 and 0.38557; gnomAD exomes 0.44879.

Submissions (3):

GeneDx
Classification: Benign. Last evaluated: 2018-06-14. Review status: criteria provided, single submitter. Criteria: GeneDx Variant Classification Process June 2021. Collection method: clinical testing. Allele origin: germline. Affected: yes.

Illumina Laboratory Services, Illumina
Classification: Benign for Renal cysts and diabetes syndrome. Last evaluated: 2018-01-13. Review status: criteria provided, single submitter. Criteria: ICSL Variant Classification Criteria 13 December 2019. Collection method: clinical testing. Allele origin: germline.
Comment: This variant was observed in the ICSL laboratory as part of a predisposition screen in an ostensibly healthy population. It had not been previously curated by ICSL or reported in the Human Gene Mutation Database (HGMD: prior to June 1st, 2018), and was therefore a candidate for classification through an automated scoring system. Utilizing variant allele frequency, disease prevalence and penetrance estimates, and inheritance mode, an automated score was calculated to assess if this variant is too frequent to cause the disease. Based on the score and internal cut-off values, a variant classified as benign is not then subjected to further curation. The score for this variant resulted in a classification of benign for this disease.

Breakthrough Genomics
Classification: Benign. Review status: criteria provided, single submitter. Criteria: ACMG Guidelines, 2015. Collection method: not provided. Allele origin: germline. Inheritance: Autosomal dominant inheritance. Affected: yes.